The following is an entry in ClinVar:

ClinVar aggregate classification (germline): Pathogenic. Review status: criteria provided, single submitter (1 of 4 stars). 2 submissions from 2 submitters: Pathogenic (1). 1 of the submissions does not count toward it. Last evaluated 2021-12-25.

Conditions:
Tuberous sclerosis syndrome (TSC). Also called: Tuberous Sclerosis Complex; Tuberous sclerosis. Identifiers: Orphanet 805, MedGen C0041341, MONDO:0001734.
Tuberous sclerosis 1 (TSC1). Identifiers: Orphanet 805, MedGen C1854465, MONDO:0008612, OMIM 191100.

Submissions (2):

Labcorp Genetics (formerly Invitae), Labcorp
Classification: Pathogenic for Tuberous sclerosis 1. Last evaluated: 2021-12-25. Review status: criteria provided, single submitter. Criteria: Invitae Variant Classification Sherloc (09022015). Collection method: clinical testing. Allele origin: germline.
Comment: This variant has not been reported in the literature in individuals affected with TSC1-related conditions. ClinVar contains an entry for this variant (Variation ID: 64758). For these reasons, this variant has been classified as Pathogenic. This variant is not present in population databases (gnomAD no frequency). This sequence change creates a premature translational stop signal (p.Glu626*) in the TSC1 gene. It is expected to result in an absent or disrupted protein product. Loss-of-function variants in TSC1 are known to be pathogenic (PMID: 10227394, 17304050).

Tuberous sclerosis database (TSC1)
No classification provided. Condition: TSC. Review status: no classification provided. Criteria: Tuberous Sclerosis Database Assertion Criteria 2015. Collection method: curation. Allele origin: germline. Affected: yes. Not counted in ClinVar's aggregate classification.

Literature cited by the submitters: PubMed 10227394 (cited by Labcorp Genetics (formerly Invitae), Labcorp); PubMed 17304050 (cited by Labcorp Genetics (formerly Invitae), Labcorp).

NM_000368.5(TSC1):c.1876G>T (p.Glu626Ter)

Gene: TSC1 (TSC complex subunit 1; minus strand). Cytogenetic location: 9q34.13.
Variant type: single nucleotide variant.
Coding change: c.1876G>T on transcript NM_000368.5 (MANE Select); coding-DNA position 1876, G replaced by T.
Protein change: p.Glu626Ter; replaces glutamic acid 626 with a stop codon.
Molecular consequence: nonsense.
Genome position (GRCh38, 1-based): chr9:132,905,702, C>A on the plus strand (G>T on the coding strand, the complement: TSC1 is on the minus strand). VCF-style: chr9-132905702-C-A. GRCh37 (hg19) VCF-style: chr9-135781089-C-A.
Other names: c.1873G>T, p.Glu625Ter (NM_001162426.2); c.1723G>T, p.Glu575Ter (NM_001162427.2); c.1513G>T, p.Glu505Ter (NM_001362177.2); short protein forms E626*, E575*, E505*, E625*.
Identifiers: ClinVar variation 64758 (VCV000064758.6), dbSNP rs397514815, ClinGen allele CA005496.
Genomic context (GRCh38, chr9:132,905,702, plus strand): 5'-TTGGGGAGGTAGAGGGCACACCATCTTCCTCTGTGTTTCCTTTTGCTTTCTTTAACAGCT[C>A]CTCAGTCTTCCTGATGACAAAATGATGGGCTGTCTTTGGCAATGCCACCTCAAAAAGATG-3'